The following is an entry in ClinVar:

ClinVar aggregate classification (germline): Likely benign (1 of 4 stars; one submission).

Submission:

GeneDx
Classification: Likely benign. Last evaluated: 2018-06-18. Review status: criteria provided, single submitter. Criteria: GeneDx Variant Classification (06012015). Collection method: clinical testing. Allele origin: germline. Affected: yes.
Comment: This variant is considered likely benign or benign based on one or more of the following criteria: it is a conservative change, it occurs at a poorly conserved position in the protein, it is predicted to be benign by multiple in silico algorithms, and/or has population frequency not consistent with disease.

NM_000143.4(FH):c.1236+346_1236+355del

Gene: FH (fumarate hydratase; minus strand). Cytogenetic location: 1q43.
Variant type: Deletion.
Coding change: c.1236+346_1236+355del on transcript NM_000143.4 (MANE Select); bases 346 to 355 of the intron after coding-DNA position 1236, 10 bases deleted (AGCATGGCCC; older notation c.1236+346_1236+355delAGCATGGCCC).
Molecular consequence: intron variant.
Genome position (GRCh38, 1-based): chr1:241,502,088-241,502,097, GGGCCATGCT deleted on the plus strand (AGCATGGCCC on the coding strand, the reverse complement: FH is on the minus strand); deleting any 10 consecutive bases within chr1:241,502,088-241,502,101 gives the same sequence; the c. name uses the placement nearest the transcript's 3' end. VCF-style (leftmost placement, unchanged base first): chr1-241502087-GGGGCCATGCT-G. GRCh37 (hg19) VCF-style: chr1-241665387-GGGGCCATGCT-G.
Identifiers: ClinVar variation 679715 (VCV000679715.1), dbSNP rs143840817, ClinGen allele CA40327721.